The following is an entry in ClinVar:

NM_004606.5(TAF1):c.5064+1G>A

Gene: TAF1 (TATA-box binding protein associated factor 1; plus strand). Cytogenetic location: Xq13.1.
Variant type: single nucleotide variant.
Coding change: c.5064+1G>A on transcript NM_004606.5 (MANE Select); the canonical splice donor site of the intron after coding-DNA position 5064, G replaced by A.
Molecular consequence: splice donor variant.
Genome position (GRCh38, 1-based): chrX:71,458,367, G>A. VCF-style: chrX-71458367-G-A. GRCh37 (hg19) VCF-style: chrX-70678217-G-A.
Other names: c.5064+1G>A (NM_001440852.1, NM_001440853.1); c.5001+1G>A (NM_001440854.1, NM_138923.4); c.5070+1G>A (NM_001286074.2).
Identifiers: ClinVar variation 5007593 (VCV005007593.2).

ClinVar aggregate classification (germline): Uncertain significance (1 of 4 stars; one submission).

Conditions:
Intellectual developmental disorder, X-linked, syndromic 33. Also called: Intellectual disability, X-linked, syndromic 33; X-linked intellectual disability-global development delay-facial dysmorphism-sacral caudal remnant syndrome. Identifiers: Orphanet 480907, MedGen C4225418, MONDO:0010500, OMIM 300966.
X-linked dystonia-parkinsonism (DYT3). Also called: Lubag; TORSION DYSTONIA-PARKINSONISM, FILIPINO TYPE; DYT-TAF1. Identifiers: Orphanet 53351, MedGen C1839130, MONDO:0010747, OMIM 314250.

Submission:

Juno Genomics, Hangzhou Juno Genomics, Inc
Classification: Uncertain significance for X-linked dystonia-parkinsonism; Intellectual developmental disorder, X-linked, syndromic 33. Review status: criteria provided, single submitter. Criteria: ACMG Guidelines, 2015. Collection method: clinical testing. Allele origin: germline.
Comment: Null variant in a gene where loss of function (LOF) is a known mechanism of disease.;Absent from controls (or at extremely low frequency if recessive) in Genome Aggregation Database.